The following is an entry in ClinVar:

ClinVar aggregate classification (germline): Likely benign. Review status: criteria provided, single submitter (1 of 4 stars). 2 submissions from 2 submitters: Likely benign (1). 1 of the submissions does not count toward it. Last evaluated 2026-03-01.

Conditions:
MAST1-related disorder. Also called: MAST1-related condition.

Allele frequency attached by ClinVar (database versions not stated): ExAC 0.00150; gnomAD 0.00368; TOPMed 0.00410; ESP Exome Variant Server 0.00469; 1000 Genomes Project 0.00479; 1000 Genomes Project 30x 0.00515; gnomAD exomes 0.00033.

Submissions (2):

CeGaT Center for Human Genetics Tuebingen
Classification: Likely benign. Last evaluated: 2026-03-01. Review status: criteria provided, single submitter. Criteria: CeGaT Center For Human Genetics Tuebingen Variant Classification Criteria Version 2. Collection method: clinical testing. Allele origin: germline. Affected: yes. Observed: 1 variant allele.
Comment: MAST1: BS1

PreventionGenetics, part of Exact Sciences
Classification: Benign for MAST1-related condition. Last evaluated: 2019-12-09. Review status: no assertion criteria provided. Collection method: clinical testing. Allele origin: germline. Not counted in ClinVar's aggregate classification.
Comment: This variant is classified as benign based on ACMG/AMP sequence variant interpretation guidelines (Richards et al. 2015 PMID: 25741868, with internal and published modifications).

NM_014975.3(MAST1):c.-7C>A

Genes: MAST1 (microtubule associated serine/threonine kinase 1; plus strand), LOC130063671 (ATAC-STARR-seq lymphoblastoid silent region 10178; plus strand). Cytogenetic location: 19p13.13.
Variant type: single nucleotide variant.
Coding change: c.-7C>A on transcript NM_014975.3 (MANE Select); 7 bases upstream of the start codon, C replaced by A.
Molecular consequence: 5 prime UTR variant.
Genome position (GRCh38, 1-based): chr19:12,838,566, C>A. VCF-style: chr19-12838566-C-A. GRCh37 (hg19) VCF-style: chr19-12949380-C-A.
Identifiers: ClinVar variation 3048050 (VCV003048050.6), dbSNP rs199599623, ClinGen allele CA9232467.